The following is an entry in ClinVar:

NM_001329943.3(KIAA0586):c.2269A>G (p.Asn757Asp)

Gene: KIAA0586 (KIAA0586; plus strand). Cytogenetic location: 14q23.1.
Variant type: single nucleotide variant.
Coding change: c.2269A>G on transcript NM_001329943.3 (MANE Select); coding-DNA position 2269, A replaced by G.
Protein change: p.Asn757Asp; replaces asparagine 757 with aspartic acid.
Molecular consequence: missense variant.
Genome position (GRCh38, 1-based): chr14:58,467,749, A>G. VCF-style: chr14-58467749-A-G. GRCh37 (hg19) VCF-style: chr14-58934467-A-G.
Other names: c.2428A>G, p.Asn810Asp (NM_001244189.2); c.2224A>G, p.Asn742Asp (NM_001244190.2); c.2014A>G, p.Asn672Asp (NM_001244191.2, NM_001329945.2, NM_001364700.1 and 1 more transcripts); c.2137A>G, p.Asn713Asp (NM_001244192.2); c.1849A>G, p.Asn617Asp (NM_001244193.2); c.2269A>G, p.Asn757Asp (NM_001329944.2, NM_001329946.2, NM_001329947.2); c.2041A>G, p.Asn681Asp (NM_014749.5); short protein forms N681D, N757D, N810D, N672D, N713D, N742D, N617D.
Identifiers: ClinVar variation 1447766 (VCV001447766.5), dbSNP rs770532816, ClinGen allele CA7205832.
Genomic context (GRCh38, chr14:58,467,749, plus strand): 5'-TTTTTTTCTGAACTAGTTGACTTATTTTTTCTCCTAAACTTCTTAGGACAAACCCAAAGT[A>G]ATAGTGATACCATGCCACCTGCTGGAGTGATTGTCAGCAAGCCACACCCTGTAACTGTGA-3'
Protein context (NP_001316872.1, residues 747-767): MAILLGQTQS[Asn757Asp]SDTMPPAGVI

ClinVar aggregate classification (germline): Uncertain significance (1 of 4 stars; one submission).

Conditions:
Joubert syndrome 23 (JBTS23). Identifiers: Orphanet 475, MedGen C4084822, MONDO:0014664, OMIM 616490.
Short-rib thoracic dysplasia 14 with polydactyly (SRTD14). Identifiers: Orphanet 397715, MedGen C4225286, MONDO:0014688, OMIM 616546.

Allele frequency attached by ClinVar (database versions not stated): gnomAD exomes 0.00001 and 0.00002; ExAC 0.00002; TOPMed 0.00002.
gnomAD v4.1: 4 of 1,609,928 alleles (0.00025%); highest among the groups gnomAD compares: African/African-American, 0.004%; no homozygotes.

Submission:

Labcorp Genetics (formerly Invitae), Labcorp
Classification: Uncertain significance for Joubert syndrome 23; Short-rib thoracic dysplasia 14 with polydactyly. Last evaluated: 2022-07-06. Review status: criteria provided, single submitter. Criteria: Invitae Variant Classification Sherloc (09022015). Collection method: clinical testing. Allele origin: germline.
Comment: This sequence change replaces asparagine, which is neutral and polar, with aspartic acid, which is acidic and polar, at codon 810 of the KIAA0586 protein (p.Asn810Asp). This variant is present in population databases (rs770532816, gnomAD 0.02%). This variant has not been reported in the literature in individuals affected with KIAA0586-related conditions. ClinVar contains an entry for this variant (Variation ID: 1447766). Algorithms developed to predict the effect of missense changes on protein structure and function are either unavailable or do not agree on the potential impact of this missense change (SIFT: "Deleterious"; PolyPhen-2: "Benign"; Align-GVGD: "Class C0"). In summary, the available evidence is currently insufficient to determine the role of this variant in disease. Therefore, it has been classified as a Variant of Uncertain Significance.